The following is an entry in ClinVar:

NM_022366.3(TFB2M):c.190G>A (p.Ala64Thr)

Gene: TFB2M (transcription factor B2, mitochondrial; minus strand). Cytogenetic location: 1q44.
Variant type: single nucleotide variant.
Coding change: c.190G>A on transcript NM_022366.3 (MANE Select); coding-DNA position 190, G replaced by A.
Protein change: p.Ala64Thr; replaces alanine 64 with threonine.
Molecular consequence: missense variant.
Genome position (GRCh38, 1-based): chr1:246,565,949, C>T on the plus strand (G>A on the coding strand, the complement: TFB2M is on the minus strand). VCF-style: chr1-246565949-C-T. GRCh37 (hg19) VCF-style: chr1-246729251-C-T.
Other names: short protein forms A64T.
Identifiers: ClinVar variation 2640235 (VCV002640235.24), dbSNP rs143880306, ClinGen allele CA1489787.

ClinVar aggregate classification (germline): Likely benign (1 of 4 stars; one submission).

Allele frequency attached by ClinVar (database versions not stated): 1000 Genomes Project 0.00280; 1000 Genomes Project 30x 0.00281; ExAC 0.00492; ESP Exome Variant Server 0.00507; gnomAD 0.00514; TOPMed 0.00558.
gnomAD v4.1: 9,679 of 1,614,216 alleles (0.6%); highest among the groups gnomAD compares: Middle Eastern, 1.2%; 45 homozygotes.

Submission:

CeGaT Center for Human Genetics Tuebingen
Classification: Likely benign. Last evaluated: 2023-02-01. Review status: criteria provided, single submitter. Criteria: CeGaT Center For Human Genetics Tuebingen Variant Classification Criteria Version 2. Collection method: clinical testing. Allele origin: germline. Affected: yes. Observed: 1 variant allele.
Comment: TFB2M: BP4, BS2